The following is an entry in ClinVar:

NM_206933.4(USH2A):c.9975G>A (p.Gly3325=)

Gene: USH2A (usherin; minus strand). Cytogenetic location: 1q41.
Variant type: single nucleotide variant.
Coding change: c.9975G>A on transcript NM_206933.4 (MANE Select); coding-DNA position 9975, G replaced by A.
Protein change: p.Gly3325=; no amino-acid change (glycine 3325 retained).
Molecular consequence: synonymous variant.
Genome position (GRCh38, 1-based): chr1:215,790,266, C>T on the plus strand (G>A on the coding strand, the complement: USH2A is on the minus strand). VCF-style: chr1-215790266-C-T. GRCh37 (hg19) VCF-style: chr1-215963608-C-T.
Identifiers: ClinVar variation 179253 (VCV000179253.23), dbSNP rs188093326, ClinGen allele CA184058.

ClinVar aggregate classification (germline): Benign/Likely benign. Review status: criteria provided, multiple submitters, no conflicts (2 of 4 stars). 9 submissions from 8 submitters: Benign (3); Likely benign (5). 1 of the submissions does not count toward it. Last evaluated 2026-01-21.

Conditions:
Retinitis pigmentosa 39 (RP39). Identifiers: Orphanet 791, MedGen C3151138, MONDO:0013436, OMIM 613809.
Retinal dystrophy. Also called: Inherited retinal dystrophy. Identifiers: Orphanet 71862, MedGen C0854723, MeSH D058499, MONDO:0019118, HP:0000556.
Inborn genetic diseases. Identifiers: MedGen C0950123, MeSH D030342.
USH2A-related disorder. Also called: USH2A-related condition; USH2A-related disorders. Identifiers: MedGen CN239332.
Usher syndrome type 2A. Also called: USHER SYNDROME, TYPE IIA; RETINAL DISEASE IN USHER SYNDROME TYPE IIA, MODIFIER OF. Identifiers: Orphanet 231178, Orphanet 886, MedGen C1848634, MONDO:0010169, OMIM 276901.

Allele frequency attached by ClinVar (database versions not stated): gnomAD exomes 0.00010 and 0.00031; gnomAD 0.00011 and 0.00017; TOPMed 0.00025; ExAC 0.00027; 1000 Genomes Project 30x 0.00078; 1000 Genomes Project 0.00080.
gnomAD v4.1: 175 of 1,613,862 alleles (0.011%); highest among the groups gnomAD compares: East Asian, 0.31%; 1 homozygote.

Submissions (9):

Labcorp Genetics (formerly Invitae), Labcorp
Classification: Benign. Last evaluated: 2026-01-21. Review status: criteria provided, single submitter. Criteria: Invitae Variant Classification Sherloc (09022015). Collection method: clinical testing. Allele origin: germline.

Ambry Genetics
Classification: Likely benign for Inborn genetic diseases. Last evaluated: 2025-01-24. Review status: criteria provided, single submitter. Criteria: Ambry Variant Classification Scheme 2023. Collection method: clinical testing. Allele origin: germline.

Blueprint Genetics
Classification: Likely benign. Last evaluated: 2024-11-25. Review status: criteria provided, single submitter. Criteria: ACMG Guidelines, 2015. Collection method: clinical testing. Allele origin: germline.

Genome-Nilou Lab
Classification: Benign for Retinitis pigmentosa 39. Last evaluated: 2023-11-04. Review status: criteria provided, single submitter. Criteria: ACMG Guidelines, 2015. Collection method: clinical testing. Allele origin: germline. Affected: no.

Genome-Nilou Lab
Classification: Benign for Usher syndrome type 2A. Last evaluated: 2023-11-04. Review status: criteria provided, single submitter. Criteria: ACMG Guidelines, 2015. Collection method: clinical testing. Allele origin: germline. Affected: no.

Dept Of Ophthalmology, Nagoya University
Classification: Likely benign for Retinal dystrophy. Last evaluated: 2023-10-01. Review status: criteria provided, single submitter. Criteria: Submitter's publication. Collection method: research. Allele origin: germline. Affected: yes.

GeneDx
Classification: Likely benign. Last evaluated: 2021-09-01. Review status: criteria provided, single submitter. Criteria: GeneDx Variant Classification Process June 2021. Collection method: clinical testing. Allele origin: germline. Affected: yes.

Laboratory for Molecular Medicine, Mass General Brigham Personalized Medicine
Classification: Likely benign. Last evaluated: 2013-11-08. Review status: criteria provided, single submitter. Criteria: LMM Criteria. Collection method: clinical testing. Allele origin: germline. Observed: 1 variant allele.
Comment: Gly3325Gly in Exon 51 of USH2A: This variant is not expected to have clinical si gnificance because it does not alter an amino acid, it is not found in a splice consensus sequence, and it was identified in 0.8% (3/394) Chinese chromosomes by the 1000 Genomes Project (dbSNP rs188093326)

PreventionGenetics, part of Exact Sciences
Classification: Likely benign for USH2A-related condition. Last evaluated: 2019-12-18. Review status: no assertion criteria provided. Collection method: clinical testing. Allele origin: germline. Not counted in ClinVar's aggregate classification.
Comment: This variant is classified as likely benign based on ACMG/AMP sequence variant interpretation guidelines (Richards et al. 2015 PMID: 25741868, with internal and published modifications).